The following is an entry in ClinVar:

ClinVar aggregate classification (germline): Uncertain significance (1 of 4 stars; one submission).

Allele frequency attached by ClinVar (database versions not stated): gnomAD exomes below 0.00001 and 0.00001; TOPMed below 0.00001.
gnomAD v4.1: 9 of 1,609,438 alleles (0.00056%); highest among the groups gnomAD compares: Non-Finnish European, 0.00076%; no homozygotes.

Submission:

Labcorp Genetics (formerly Invitae), Labcorp
Classification: Uncertain significance. Last evaluated: 2022-10-05. Review status: criteria provided, single submitter. Criteria: Invitae Variant Classification Sherloc (09022015). Collection method: clinical testing. Allele origin: germline.
Comment: This sequence change replaces arginine, which is basic and polar, with serine, which is neutral and polar, at codon 373 of the FAR1 protein (p.Arg373Ser). In summary, the available evidence is currently insufficient to determine the role of this variant in disease. Therefore, it has been classified as a Variant of Uncertain Significance. Advanced modeling of protein sequence and biophysical properties (such as structural, functional, and spatial information, amino acid conservation, physicochemical variation, residue mobility, and thermodynamic stability) performed at Invitae indicates that this missense variant is not expected to disrupt FAR1 protein function. ClinVar contains an entry for this variant (Variation ID: 1489257). This variant has not been reported in the literature in individuals affected with FAR1-related conditions. This variant is present in population databases (no rsID available, gnomAD 0.0009%).

NM_032228.6(FAR1):c.1119A>C (p.Arg373Ser)

Gene: FAR1 (fatty acyl-CoA reductase 1; plus strand). Cytogenetic location: 11p15.3.
Variant type: single nucleotide variant.
Coding change: c.1119A>C on transcript NM_032228.6 (MANE Select); coding-DNA position 1119, A replaced by C.
Protein change: p.Arg373Ser; replaces arginine 373 with serine.
Molecular consequence: missense variant.
Genome position (GRCh38, 1-based): chr11:13,714,672, A>C. VCF-style: chr11-13714672-A-C. GRCh37 (hg19) VCF-style: chr11-13736219-A-C.
Other names: short protein forms R373S.
Identifiers: ClinVar variation 1489257 (VCV001489257.6), dbSNP rs973743036, ClinGen allele CA218131064.